The following is an entry in ClinVar:

ClinVar aggregate classification (germline): Likely benign (1 of 4 stars; one submission).

gnomAD v4.1: 18 of 1,614,158 alleles (0.0011%); highest among the groups gnomAD compares: East Asian, 0.0045%; no homozygotes.

Submission:

CeGaT Center for Human Genetics Tuebingen
Classification: Likely benign. Last evaluated: 2025-10-01. Review status: criteria provided, single submitter. Criteria: CeGaT Center For Human Genetics Tuebingen Variant Classification Criteria Version 2. Collection method: clinical testing. Allele origin: germline. Affected: yes. Observed: 1 variant allele.
Comment: LIMK1: BP4, BP7

NM_002314.4(LIMK1):c.1641C>T (p.Asn547=)

Gene: LIMK1 (LIM domain kinase 1; plus strand). Cytogenetic location: 7q11.23.
Variant type: single nucleotide variant.
Coding change: c.1641C>T on transcript NM_002314.4 (MANE Select); coding-DNA position 1641, C replaced by T.
Protein change: p.Asn547=; no amino-acid change (asparagine 547 retained).
Molecular consequence: synonymous variant.
Genome position (GRCh38, 1-based): chr7:74,120,909, C>T. VCF-style: chr7-74120909-C-T. GRCh37 (hg19) VCF-style: chr7-73535239-C-T.
Other names: c.1539C>T, p.Asn513= (NM_001204426.2).
Identifiers: ClinVar variation 4533607 (VCV004533607.6).